The following is an entry in ClinVar:

ClinVar aggregate classification (germline): Uncertain significance. Review status: criteria provided, multiple submitters, no conflicts (2 of 4 stars). 2 submissions from 2 submitters: Uncertain significance (2). Last evaluated 2025-08-18.

Conditions:
Aortic aneurysm, familial thoracic 8 (AAT8). Identifiers: MedGen C3809513, MONDO:0014187, OMIM 615436.

Allele frequency attached by ClinVar (database versions not stated): TOPMed below 0.00001.

Submissions (2):

GeneDx
Classification: Uncertain significance. Last evaluated: 2025-08-18. Review status: criteria provided, single submitter. Criteria: GeneDx Variant Classification Process June 2021. Collection method: clinical testing. Allele origin: germline. Affected: yes.
Comment: Has not been previously published as pathogenic or benign to our knowledge; Not observed at significant frequency in large population cohorts (gnomAD); In silico analysis suggests that this missense variant does not alter protein structure/function

Labcorp Genetics (formerly Invitae), Labcorp
Classification: Uncertain significance for Aortic aneurysm, familial thoracic 8. Last evaluated: 2024-09-18. Review status: criteria provided, single submitter. Criteria: Invitae Variant Classification Sherloc (09022015). Collection method: clinical testing. Allele origin: germline.
Comment: This sequence change replaces serine, which is neutral and polar, with threonine, which is neutral and polar, at codon 64 of the PRKG1 protein (p.Ser64Thr). This variant is not present in population databases (gnomAD no frequency). This variant has not been reported in the literature in individuals affected with PRKG1-related conditions. ClinVar contains an entry for this variant (Variation ID: 1379285). An algorithm developed to predict the effect of missense changes on protein structure and function (PolyPhen-2) suggests that this variant is likely to be tolerated. In summary, the available evidence is currently insufficient to determine the role of this variant in disease. Therefore, it has been classified as a Variant of Uncertain Significance.

NM_006258.4(PRKG1):c.191G>C (p.Ser64Thr)

Gene: PRKG1 (protein kinase cGMP-dependent 1; plus strand). Cytogenetic location: 10q11.23.
Variant type: single nucleotide variant.
Coding change: c.191G>C on transcript NM_006258.4 (MANE Select); coding-DNA position 191, G replaced by C.
Protein change: p.Ser64Thr; replaces serine 64 with threonine.
Molecular consequence: missense variant. On other transcripts: intron variant (1).
Genome position (GRCh38, 1-based): chr10:51,074,781, G>C. VCF-style: chr10-51074781-G-C. GRCh37 (hg19) VCF-style: chr10-52834541-G-C.
Other names: c.191G>C (NM_006258.3); c.191G>C, p.Ser64Thr (NM_001374782.1); c.267-78383G>C (NM_001098512.3); short protein forms S64T.
Identifiers: ClinVar variation 1379285 (VCV001379285.8), dbSNP rs1843903927, ClinGen allele CA376826999.